The following is an entry in ClinVar:

NM_017841.4(SDHAF2):c.428_429del (p.Phe143fs)

Gene: SDHAF2 (succinate dehydrogenase complex assembly factor 2; plus strand). Cytogenetic location: 11q12.2.
Variant type: Deletion.
Coding change: c.428_429del on transcript NM_017841.4 (MANE Select); coding-DNA positions 428 to 429, 2 bases deleted (TT; older notation c.428_429delTT).
Protein change: p.Phe143fs; shifts the reading frame from phenylalanine 143.
Molecular consequence: frameshift variant.
Genome position (GRCh38, 1-based): chr11:61,445,998-61,445,999, TT deleted; deleting any 2 consecutive bases within chr11:61,445,997-61,445,999 gives the same sequence; the c. name uses the placement nearest the transcript's 3' end. VCF-style (leftmost placement, unchanged base first): chr11-61445996-CTT-C. GRCh37 (hg19) VCF-style: chr11-61213468-CTT-C.
Other names: short protein forms F143fs.
Identifiers: ClinVar variation 3951368 (VCV003951368.1).
Genomic context (GRCh38, chr11:61,445,996, plus strand): 5'-TGCAGAAGCTAAACCAGCCCCAGAAATATTTGAAAATGAAGTCATGGCCCTGCTGAGAGA[CTT>C]TGCTAAAAACAAAAACAAAGAGCAGAGACTGCGTGCCCCAGATCTTGAGTACCTCTTTGA-3'

ClinVar aggregate classification (germline): Uncertain significance (1 of 4 stars; one submission).

Conditions:
Hereditary cancer-predisposing syndrome. Also called: Tumor predisposition; Hereditary neoplastic syndrome; Hereditary Cancer Syndrome; Neoplastic Syndromes, Hereditary. Identifiers: Orphanet 140162, MedGen C0027672, MeSH D009386, MONDO:0015356.

Submission:

Ambry Genetics
Classification: Uncertain significance for Hereditary cancer-predisposing syndrome. Last evaluated: 2025-04-25. Review status: criteria provided, single submitter. Criteria: Ambry Variant Classification Scheme 2023. Collection method: clinical testing. Allele origin: germline.
Comment: The c.428_429delTT variant, located in coding exon 4 of the SDHAF2 gene, results from a deletion of two nucleotides at nucleotide positions 428 to 429, causing a translational frameshift with a predicted alternate stop codon (p.F143Cfs*2). This alteration occurs at the 3' terminus of theSDHAF2 gene, is not expected to trigger nonsense-mediated mRNAdecay, and impacts the last 14% of the protein. The exact functional effect of this alteration is unknown. Based on the available evidence, the clinical significance of this variant remains unclear.